The following is an entry in ClinVar:

NM_001042492.3(NF1):c.7739-5T>C

Gene: NF1 (neurofibromin 1; plus strand). Cytogenetic location: 17q11.2.
Variant type: single nucleotide variant.
Coding change: c.7739-5T>C on transcript NM_001042492.3 (MANE Select); 5 bases into the intron before coding-DNA position 7739, T replaced by C.
Molecular consequence: intron variant.
Genome position (GRCh38, 1-based): chr17:31,356,955, T>C. VCF-style: chr17-31356955-T-C. GRCh37 (hg19) VCF-style: chr17-29683973-T-C.
Other names: c.7676-5T>C (NM_000267.4).
Identifiers: ClinVar variation 759024 (VCV000759024.15), dbSNP rs1156443249, ClinGen allele CA625475592.

ClinVar aggregate classification (germline): Benign/Likely benign. Review status: criteria provided, multiple submitters, no conflicts (2 of 4 stars). 3 submissions from 3 submitters: Benign (1); Likely benign (2). Last evaluated 2026-05-14.

Conditions:
Neurofibromatosis, type 1 (NF1). Also called: NEUROFIBROMATOSIS, TYPE I, SOMATIC; Peripheral type neurofibromatosis; VON RECKLINGHAUSEN DISEASE; Neurofibromatosis, type I. Identifiers: Orphanet 636, MedGen C0027831, MONDO:0018975, OMIM 162200. Disease mechanism: loss of function.
Cardiovascular phenotype. Identifiers: MedGen CN230736.
Hereditary cancer-predisposing syndrome. Also called: Tumor predisposition; Hereditary Cancer Syndrome; Hereditary neoplastic syndrome; Neoplastic Syndromes, Hereditary. Identifiers: Orphanet 140162, MedGen C0027672, MeSH D009386, MONDO:0015356.

Allele frequency attached by ClinVar (database versions not stated): TOPMed 0.00001; gnomAD exomes 0.00001.
gnomAD v4.1: 3 of 1,613,826 alleles (0.00019%); highest among the groups gnomAD compares: African/African-American, 0.004%; no homozygotes.

Submissions (3):

Myriad Genetics, Inc.
Classification: Likely benign for Neurofibromatosis, type 1. Last evaluated: 2026-05-14. Review status: criteria provided, single submitter. Criteria: Myriad Autosomal Dominant, Autosomal Recessive and X-Linked Classification Criteria (2023). Collection method: clinical testing. Allele origin: unknown.
Comment: This variant is considered likely benign. This variant is intronic and is not expected to impact mRNA splicing.

Labcorp Genetics (formerly Invitae), Labcorp
Classification: Likely benign for Neurofibromatosis, type 1. Last evaluated: 2026-01-04. Review status: criteria provided, single submitter. Criteria: Invitae Variant Classification Sherloc (09022015). Collection method: clinical testing. Allele origin: germline.

Ambry Genetics
Classification: Benign for Cardiovascular phenotype; Hereditary cancer-predisposing syndrome. Last evaluated: 2022-06-10. Review status: criteria provided, single submitter. Criteria: Ambry Variant Classification Scheme 2023. Collection method: clinical testing. Allele origin: germline.